The following is an entry in ClinVar:

NM_000181.4(GUSB):c.1129G>C (p.Gly377Arg)

Gene: GUSB (glucuronidase beta; minus strand). Cytogenetic location: 7q11.21.
Variant type: single nucleotide variant.
Coding change: c.1129G>C on transcript NM_000181.4 (MANE Select); coding-DNA position 1129, G replaced by C.
Protein change: p.Gly377Arg; replaces glycine 377 with arginine.
Molecular consequence: missense variant. On other transcripts: non-coding transcript variant (1).
Genome position (GRCh38, 1-based): chr7:65,974,641, C>G on the plus strand (G>C on the coding strand, the complement: GUSB is on the minus strand). VCF-style: chr7-65974641-C-G. GRCh37 (hg19) VCF-style: chr7-65439628-C-G.
Other names: c.691G>C, p.Gly231Arg (NM_001284290.2); c.559G>C, p.Gly187Arg (NM_001293104.2); c.472G>C, p.Gly158Arg (NM_001293105.2); short protein forms G158R, G187R, G231R, G377R.
Identifiers: ClinVar variation 5007225 (VCV005007225.2).

ClinVar aggregate classification (germline): Uncertain significance (1 of 4 stars; one submission).

Conditions:
Mucopolysaccharidosis type 7 (MPS7). Also called: GUSB DEFICIENCY; SLY SYNDROME; MPS VII; BETA-GLUCURONIDASE DEFICIENCY. Identifiers: Orphanet 584, MedGen C0085132, MONDO:0009662, OMIM 253220.

Submission:

Juno Genomics, Hangzhou Juno Genomics, Inc
Classification: Uncertain significance for Mucopolysaccharidosis type 7. Review status: criteria provided, single submitter. Criteria: ACMG Guidelines, 2015. Collection method: clinical testing. Allele origin: germline.
Comment: Absent from controls (or at extremely low frequency if recessive) in Genome Aggregation Database.;Multiple lines of computational evidence support a deleterious effect on the gene or gene product.